The following is an entry in ClinVar:

ClinVar aggregate classification (germline): Conflicting classifications of pathogenicity. Review status: criteria provided, conflicting classifications (1 of 4 stars). 14 submissions from 14 submitters: Uncertain significance (10); Benign (1); Likely benign (2). 1 of the submissions does not count toward it. Last evaluated 2025-11-17.

Conditions:
Desmoid disease, hereditary (DESMD). Also called: FIBROMATOSIS, FAMILIAL INFILTRATIVE. Identifiers: Orphanet 873, MedGen C1851124, OMIM 135290. Disease mechanism: loss of function.
Gastric adenocarcinoma and proximal polyposis of the stomach (GAPPS). Also called: Polyposis, gastric, Dos Santos and de Magalhaes 1980; Gastric Adenocarcinoma and Proximal Polyposis of the Stomach (GAPPS); POLYPOSIS, GASTRIC. Identifiers: Orphanet 314022, MedGen C4749917, MONDO:0017790, OMIM 619182.
Hepatocellular carcinoma (HCC). Also called: Primary carcinoma of liver; HEPATOMA; LIVER CELL CARCINOMA. Identifiers: Orphanet 88673, MedGen C2239176, MONDO:0007256, OMIM 114550, HP:0001402.
Gastric cancer. Also called: Stomach cancer; Malignant tumor of stomach. Identifiers: MedGen C0024623, MeSH D013274, MONDO:0001056, OMIM 613659, HP:0012126.
Colorectal cancer. Also called: Colorectal cancer, somatic; Malignant Colorectal Neoplasm. Identifiers: MedGen C0346629, MONDO:0005575, OMIM 114500.
Familial adenomatous polyposis 1 (FAP1). Also called: FAMILIAL ADENOMATOUS POLYPOSIS 1, ATTENUATED; POLYPOSIS, ADENOMATOUS INTESTINAL. Identifiers: MedGen C2713442, MONDO:0021056, OMIM 175100. Disease mechanism: loss of function.
Classic or attenuated familial adenomatous polyposis. Identifiers: MedGen CN372698, MONDO:0021057.
Hereditary cancer-predisposing syndrome. Also called: Tumor predisposition; Neoplastic Syndromes, Hereditary; Hereditary Cancer Syndrome; Hereditary neoplastic syndrome. Identifiers: Orphanet 140162, MedGen C0027672, MeSH D009386, MONDO:0015356.

Allele frequency attached by ClinVar (database versions not stated): gnomAD exomes 0.00001; ExAC 0.00002; TOPMed 0.00002; gnomAD 0.00003.
gnomAD v4.1: 17 of 1,613,910 alleles (0.0011%); highest among the groups gnomAD compares: Middle Eastern, 0.049%; no homozygotes.

Submissions (14):

Labcorp Genetics (formerly Invitae), Labcorp
Classification: Benign for Familial adenomatous polyposis 1. Last evaluated: 2025-11-17. Review status: criteria provided, single submitter. Criteria: Invitae Variant Classification Sherloc (09022015). Collection method: clinical testing. Allele origin: germline.

Center for Genomic Medicine, Rigshospitalet, Copenhagen University Hospital
Classification: Likely benign. Last evaluated: 2025-03-04. Review status: criteria provided, single submitter. Criteria: ACMG Guidelines, 2015. Collection method: clinical testing. Allele origin: germline.
Comment: Classification criteria: BP1, BS1

All of Us Research Program, National Institutes of Health
Classification: Uncertain significance for Classic or attenuated familial adenomatous polyposis. Last evaluated: 2024-04-25. Review status: criteria provided, single submitter. Criteria: ACMG Guidelines, 2015. Collection method: clinical testing. Allele origin: germline. Inheritance: Autosomal dominant inheritance. Observed: 3 variant alleles, 3 heterozygotes.
Comment: This missense variant replaces proline with threonine at codon 2392 of the APC protein. Computational prediction tool suggests that this variant may not impact protein structure and function (internally defined REVEL score threshold <= 0.5, PMID: 27666373). Splice site prediction tools suggest that this variant may not impact RNA splicing. To our knowledge, functional studies have not been performed for this variant. This variant has been reported in an individual affected with breast cancer (DOI: 10.1101/2021.04.15.21255554v2). This variant has been identified in 2/250282 chromosomes in the general population by the Genome Aggregation Database (gnomAD). The available evidence is insufficient to determine the role of this variant in disease conclusively. Therefore, this variant is classified as a Variant of Uncertain Significance.

This study involves interpretation of variants in research participants for the purpose of population health screening. Participant phenotype was not available at the time of variant classification. Additional details can be found in publication PMID: 35346344, PMCID: PMC8962531

Color Diagnostics, LLC DBA Color Health
Classification: Uncertain significance for Hereditary cancer-predisposing syndrome. Last evaluated: 2024-04-10. Review status: criteria provided, single submitter. Criteria: ACMG Guidelines, 2015. Collection method: clinical testing. Allele origin: germline.
Comment: This missense variant replaces proline with threonine at codon 2392 of the APC protein. Computational prediction suggests that this variant may not impact protein structure and function (internally defined REVEL score threshold <= 0.5, PMID: 27666373). To our knowledge, functional studies have not been reported for this variant. This variant has not been reported in individuals affected with APC-related disorders in the literature. This variant has been identified in 2/250282 chromosomes in the general population by the Genome Aggregation Database (gnomAD). The available evidence is insufficient to determine the role of this variant in disease conclusively. Therefore, this variant is classified as a Variant of Uncertain Significance.

Fulgent Genetics
Classification: Uncertain significance for Colorectal cancer; Hepatocellular carcinoma; Desmoid disease, hereditary; Familial adenomatous polyposis 1; Gastric cancer; Gastric adenocarcinoma and proximal polyposis of the stomach. Last evaluated: 2024-01-22. Review status: criteria provided, single submitter. Criteria: ACMG Guidelines, 2015. Collection method: clinical testing. Allele origin: germline.

GeneDx
Classification: Uncertain significance. Last evaluated: 2024-01-04. Review status: criteria provided, single submitter. Criteria: GeneDx Variant Classification Process June 2021. Collection method: clinical testing. Allele origin: germline. Affected: yes.
Comment: Not observed at significant frequency in large population cohorts (gnomAD); In silico analysis supports that this missense variant has a deleterious effect on protein structure/function; This variant is associated with the following publications: (PMID: 18199528, 31980526, 35534704)

Baylor Genetics
Classification: Uncertain significance for Familial adenomatous polyposis 1. Last evaluated: 2023-04-20. Review status: criteria provided, single submitter. Criteria: ACMG Guidelines, 2015. Collection method: clinical testing. Allele origin: unknown.

Myriad Genetics, Inc.
Classification: Uncertain significance for Familial adenomatous polyposis 1. Last evaluated: 2023-02-17. Review status: criteria provided, single submitter. Criteria: Myriad Autosomal Dominant, Autosomal Recessive and X-Linked Classification Criteria (2023). Collection method: clinical testing. Allele origin: unknown.
Comment: This variant is classified as a variant of uncertain significance as there is insufficient evidence to determine its impact on protein function and/or cancer risk.

Sema4
Classification: Uncertain significance for Hereditary cancer-predisposing syndrome. Last evaluated: 2022-03-21. Review status: criteria provided, single submitter. Criteria: Sema4 Curation Guidelines. Collection method: curation. Allele origin: germline.
Comment: To the best of our knowledge, the APC c.7174C>A (p.P2392T) variant has not been reported in individuals with APC-related disease. This variant was observed in 2/112738 chromosomes in the Non-Finnish European population according to the Genome Aggregation Database (PMID: 32461654). The variant has been reported in ClinVar (Variation ID: 181816). Functional studies have not been performed, and in silico predictions of the variant's effect on protein function are inconclusive. The evidence is insufficient to meet ACMG/AMP criteria for classifying the variant as benign or pathogenic. Thus, the clinical significance of this variant is currently uncertain.

Institute for Clinical Genetics, University Hospital TU Dresden, University Hospital TU Dresden
Classification: Uncertain significance. Last evaluated: 2021-11-03. Review status: criteria provided, single submitter. Criteria: ACMG Guidelines, 2015. Collection method: clinical testing. Allele origin: germline.

Ambry Genetics
Classification: Likely benign for Hereditary cancer-predisposing syndrome. Last evaluated: 2020-08-21. Review status: criteria provided, single submitter. Criteria: Ambry Variant Classification Scheme 2023. Collection method: clinical testing. Allele origin: germline.

Quest Diagnostics Nichols Institute San Juan Capistrano
Classification: Uncertain significance. Last evaluated: 2019-07-23. Review status: criteria provided, single submitter. Criteria: Quest Diagnostics criteria. Collection method: clinical testing. Allele origin: germline.

Women's Health and Genetics/Laboratory Corporation of America, LabCorp
Classification: Uncertain significance. Last evaluated: 2019-04-04. Review status: criteria provided, single submitter. Criteria: LabCorp Variant Classification Summary - May 2015. Collection method: clinical testing. Allele origin: germline.
Comment: Variant summary: APC c.7174C>A (p.Pro2392Thr) results in a non-conservative amino acid change located in the Adenomatous polyposis coli protein basic domain of the encoded protein sequence. Three of five in-silico tools predict a damaging effect of the variant on protein function. The variant allele was found at a frequency of 4.1e-06 in 245024 control chromosomes (gnomAD). The available data on variant occurrences in the general population are insufficient to allow any conclusion about variant significance. To our knowledge, no occurrence of c.7174C>A in individuals affected with Familial Adenomatous Polyposis and no experimental evidence demonstrating its impact on protein function have been reported. Five ClinVar submissions from clinical diagnostic laboratories (evaluation after 2014) cite the variant as uncertain significance. Based on the evidence outlined above, the variant was classified as uncertain significance.

Counsyl
Classification: Uncertain significance for Familial adenomatous polyposis 1. Last evaluated: 2016-10-27. Review status: no assertion criteria provided. Collection method: clinical testing. Allele origin: unknown. Not counted in ClinVar's aggregate classification.

NM_000038.6(APC):c.7174C>A (p.Pro2392Thr)

Gene: APC (APC regulator of Wnt signaling pathway; plus strand). Cytogenetic location: 5q22.2.
Variant type: single nucleotide variant.
Coding change: c.7174C>A on transcript NM_000038.6 (MANE Select); coding-DNA position 7174, C replaced by A.
Protein change: p.Pro2392Thr; replaces proline 2392 with threonine.
Molecular consequence: missense variant.
Genome position (GRCh38, 1-based): chr5:112,842,768, C>A. VCF-style: chr5-112842768-C-A. GRCh37 (hg19) VCF-style: chr5-112178465-C-A.
Other names: p.P2392T:CCA>ACA; c.7174C>A, p.Pro2392Thr (NM_001127510.3, NM_001354895.2); c.7120C>A, p.Pro2374Thr (NM_001127511.3); c.7228C>A, p.Pro2410Thr (NM_001354896.2); c.7204C>A, p.Pro2402Thr (NM_001354897.2); c.7099C>A, p.Pro2367Thr (NM_001354898.2); c.7090C>A, p.Pro2364Thr (NM_001354899.2); c.7051C>A, p.Pro2351Thr (NM_001354900.2); and 6 more; short protein forms P2374T, P2392T, P2109T, P2291T, P2364T, P2351T, P2367T, P2410T.
Identifiers: ClinVar variation 181816 (VCV000181816.72), dbSNP rs730881257, ClinGen allele CA012891.
Genomic context (GRCh38, chr5:112,842,768, plus strand): 5'-CAGATGAGCCAACAGAACCTTACCAAACAAACAGGTTTATCCAAGAATGCCAGTAGTATT[C>A]CAAGAAGTGAGTCTGCCTCCAAAGGACTAAATCAGATGAATAATGGTAATGGAGCCAATA-3'
Protein context (NP_000029.2, residues 2382-2402): TGLSKNASSI[Pro2392Thr]RSESASKGLN